The following is an entry in ClinVar:

NM_005422.4(TECTA):c.4379A>T (p.Asp1460Val)

Genes: TBCEL-TECTA (TBCEL-TECTA readthrough; plus strand), TECTA (tectorin alpha; plus strand). Cytogenetic location: 11q23.3.
Variant type: single nucleotide variant.
Coding change: c.4379A>T on transcript NM_005422.4 (MANE Select); coding-DNA position 4379, A replaced by T.
Protein change: p.Asp1460Val; replaces aspartic acid 1460 with valine.
Molecular consequence: missense variant.
Genome position (GRCh38, 1-based): chr11:121,157,914, A>T. VCF-style: chr11-121157914-A-T. GRCh37 (hg19) VCF-style: chr11-121028623-A-T.
Other names: c.5336A>T, p.Asp1779Val (NM_001378761.1); short protein forms D1779V, D1460V.
Identifiers: ClinVar variation 1505501 (VCV001505501.6), dbSNP rs920273300, ClinGen allele CA383026749.

ClinVar aggregate classification (germline): Uncertain significance (1 of 4 stars; one submission).

Allele frequency attached by ClinVar (database versions not stated): gnomAD exomes below 0.00001 and 0.00001.
gnomAD v4.1: 13 of 1,614,110 alleles (0.00081%); highest among the groups gnomAD compares: South Asian, 0.0011%; no homozygotes.

Submission:

Labcorp Genetics (formerly Invitae), Labcorp
Classification: Uncertain significance. Last evaluated: 2021-12-29. Review status: criteria provided, single submitter. Criteria: Invitae Variant Classification Sherloc (09022015). Collection method: clinical testing. Allele origin: germline.
Comment: This sequence change replaces aspartic acid, which is acidic and polar, with valine, which is neutral and non-polar, at codon 1460 of the TECTA protein (p.Asp1460Val). This variant is present in population databases (no rsID available, gnomAD 0.003%). This variant has not been reported in the literature in individuals affected with TECTA-related conditions. Algorithms developed to predict the effect of missense changes on protein structure and function (SIFT, PolyPhen-2, Align-GVGD) all suggest that this variant is likely to be disruptive. In summary, the available evidence is currently insufficient to determine the role of this variant in disease. Therefore, it has been classified as a Variant of Uncertain Significance.